The following is an entry in ClinVar:

NM_000302.4(PLOD1):c.843+17G>C

Gene: PLOD1 (procollagen-lysine,2-oxoglutarate 5-dioxygenase 1; plus strand). Cytogenetic location: 1p36.22.
Variant type: single nucleotide variant.
Coding change: c.843+17G>C on transcript NM_000302.4 (MANE Select); 17 bases into the intron after coding-DNA position 843, G replaced by C.
Molecular consequence: intron variant.
Genome position (GRCh38, 1-based): chr1:11,957,960, G>C. VCF-style: chr1-11957960-G-C. GRCh37 (hg19) VCF-style: chr1-12018017-G-C.
Other names: c.984+17G>C (NM_001316320.2).
Identifiers: ClinVar variation 391284 (VCV000391284.12), dbSNP rs201244598, ClinGen allele CA598161.

ClinVar aggregate classification (germline): Likely benign. Review status: criteria provided, multiple submitters, no conflicts (2 of 4 stars). 5 submissions from 5 submitters: Likely benign (5). Last evaluated 2026-01-31.

Conditions:
Ehlers-Danlos syndrome, kyphoscoliotic type 1 (EDSKSCL1). Also called: Ehlers-Danlos syndrome, hydroxylysine-deficient; EHLERS-DANLOS SYNDROME, OCULAR-SCOLIOTIC TYPE; PLOD1-Related Kyphoscoliotic Ehlers-Danlos Syndrome; EHLERS-DANLOS SYNDROME, TYPE VIA. Identifiers: Orphanet 1900, MedGen C0268342, MONDO:0016002, OMIM 225400. Disease mechanism: loss of function.

Allele frequency attached by ClinVar (database versions not stated): 1000 Genomes Project 30x 0.00016; TOPMed 0.00032; ESP Exome Variant Server 0.00038; gnomAD 0.00086.
gnomAD v4.1: 556 of 1,543,542 alleles (0.036%); highest among the groups gnomAD compares: Non-Finnish European, 0.044%; no homozygotes.

Submissions (5):

Labcorp Genetics (formerly Invitae), Labcorp
Classification: Likely benign for Ehlers-Danlos syndrome, kyphoscoliotic type 1. Last evaluated: 2026-01-31. Review status: criteria provided, single submitter. Criteria: Invitae Variant Classification Sherloc (09022015). Collection method: clinical testing. Allele origin: germline.

ARUP Laboratories, Molecular Genetics and Genomics, ARUP Laboratories
Classification: Likely benign for Ehlers-Danlos syndrome, kyphoscoliotic type 1. Last evaluated: 2025-03-28. Review status: criteria provided, single submitter. Criteria: ARUP Molecular Germline Variant Investigation Process 2024. Collection method: clinical testing. Allele origin: germline.

Blueprint Genetics
Classification: Likely benign. Last evaluated: 2024-11-21. Review status: criteria provided, single submitter. Criteria: ACMG Guidelines, 2015. Collection method: clinical testing. Allele origin: germline.

Women's Health and Genetics/Laboratory Corporation of America, LabCorp
Classification: Likely benign. Last evaluated: 2023-08-24. Review status: criteria provided, single submitter. Criteria: LabCorp Variant Classification Summary - May 2015. Collection method: clinical testing. Allele origin: germline.

GeneDx
Classification: Likely benign. Last evaluated: 2016-12-05. Review status: criteria provided, single submitter. Criteria: GeneDx Variant Classification (06012015). Collection method: clinical testing. Allele origin: germline. Affected: yes.
Comment: This variant is considered likely benign or benign based on one or more of the following criteria: it is a conservative change, it occurs at a poorly conserved position in the protein, it is predicted to be benign by multiple in silico algorithms, and/or has population frequency not consistent with disease.